The following is an entry in ClinVar:

ClinVar aggregate classification (germline): Likely pathogenic. Review status: criteria provided, single submitter (1 of 4 stars). 2 submissions from 2 submitters: Likely pathogenic (1). 1 of the submissions does not count toward it. Last evaluated 2025-01-17.

Conditions:
3 beta-Hydroxysteroid dehydrogenase deficiency. Also called: ADRENAL HYPERPLASIA, CONGENITAL, DUE TO 3-BETA-HYDROXYSTEROID DEHYDROGENASE 2 DEFICIENCY; Congenital adrenal hyperplasia due to 3-beta-hydroxysteroid dehydrogenase deficiency; 3-BETA-HSD DEFICIENCY; ADRENAL HYPERPLASIA II; 3b-hydroxysteroid dehydrogenase deficiency. Identifiers: Orphanet 90791, MedGen C0342471, MeSH C538236, MONDO:0008727, OMIM 201810. Disease mechanism: loss of function.

Allele frequency attached by ClinVar (database versions not stated): gnomAD 0.00003; TOPMed 0.00001.
gnomAD v4.1: 12 of 1,613,736 alleles (0.00074%); highest among the groups gnomAD compares: South Asian, 0.0022%; no homozygotes.

Submissions (2):

Natera, Inc.
Classification: Likely pathogenic for 3 beta hydroxysteroid dehydrogenase deficiency. Last evaluated: 2025-01-17. Review status: criteria provided, single submitter. Criteria: Natera Variant Classification Schema (03/2026). Collection method: clinical testing. Allele origin: germline.
Comment: The c.1119A>C variant in HSD3B2 is a stop-loss variant predicted to disrupt the normal termination codon and extend translation beyond the canonical stop site. This variant is rare in the general population with a frequency below the threshold expected for the associated phenotype(s). This variant has been observed in one or more individuals affected with the associated recessive disease, as either homozygous or compound heterozygous with a second variant (PMID: 12050213). Functional studies show that this variant may disrupt protein function (PMID: 12050213). Given the available evidence, this variant is classified as Likely Pathogenic.

OMIM
Classification: Pathogenic for ADRENAL HYPERPLASIA, CONGENITAL, DUE TO 3-BETA-HYDROXYSTEROID DEHYDROGENASE 2 DEFICIENCY. Last evaluated: 2002-06-01. Review status: no assertion criteria provided. Collection method: literature only. Allele origin: germline. Not counted in ClinVar's aggregate classification.

Literature cited by the submitters: PubMed 12050213 (cited by Natera, Inc. and OMIM).

NM_000198.4(HSD3B2):c.1119A>C (p.Ter373Cys)

Gene: HSD3B2 (hydroxy-delta-5-steroid dehydrogenase, 3 beta- and steroid delta-isomerase 2; plus strand). Cytogenetic location: 1p12.
Variant type: single nucleotide variant.
Coding change: c.1119A>C on transcript NM_000198.4 (MANE Select); coding-DNA position 1119, A replaced by C.
Protein change: p.Ter373Cys.
Molecular consequence: stop lost.
Genome position (GRCh38, 1-based): chr1:119,422,620, A>C. VCF-style: chr1-119422620-A-C. GRCh37 (hg19) VCF-style: chr1-119965243-A-C.
Other names: *373C; c.1119A>C (NM_000198.3); c.1119A>C, p.Ter373Cys (NM_001166120.2).
Identifiers: ClinVar variation 12189 (VCV000012189.2), dbSNP rs80358218, ClinGen allele CA121929.